The following is an entry in ClinVar:

ClinVar aggregate classification (germline): Uncertain significance (1 of 4 stars; one submission).

Conditions:
Rhabdoid tumor predisposition syndrome 2 (RTPS2). Identifiers: Orphanet 231108, Orphanet 69077, MedGen C2750074, MONDO:0013224, OMIM 613325.

Submission:

Labcorp Genetics (formerly Invitae), Labcorp
Classification: Uncertain significance for Rhabdoid tumor predisposition syndrome 2. Last evaluated: 2025-01-11. Review status: criteria provided, single submitter. Criteria: Invitae Variant Classification Sherloc (09022015). Collection method: clinical testing. Allele origin: germline.
Comment: This sequence change replaces isoleucine, which is neutral and non-polar, with serine, which is neutral and polar, at codon 1348 of the SMARCA4 protein (p.Ile1348Ser). This variant is not present in population databases (gnomAD no frequency). This variant has not been reported in the literature in individuals affected with SMARCA4-related conditions. ClinVar contains an entry for this variant (Variation ID: 1468420). Invitae Evidence Modeling of protein sequence and biophysical properties (such as structural, functional, and spatial information, amino acid conservation, physicochemical variation, residue mobility, and thermodynamic stability) indicates that this missense variant is not expected to disrupt SMARCA4 protein function with a negative predictive value of 80%. In summary, the available evidence is currently insufficient to determine the role of this variant in disease. Therefore, it has been classified as a Variant of Uncertain Significance.

NM_003072.5(SMARCA4):c.4043T>G (p.Ile1348Ser)

Gene: SMARCA4 (SWI/SNF related BAF chromatin remodeling complex subunit ATPase 4; plus strand). Cytogenetic location: 19p13.2.
Variant type: single nucleotide variant.
Coding change: c.4043T>G on transcript NM_003072.5 (MANE Select); coding-DNA position 4043, T replaced by G.
Protein change: p.Ile1348Ser; replaces isoleucine 1348 with serine.
Molecular consequence: missense variant. On other transcripts: non-coding transcript variant (1).
Genome position (GRCh38, 1-based): chr19:11,035,005, T>G. VCF-style: chr19-11035005-T-G. GRCh37 (hg19) VCF-style: chr19-11145681-T-G.
Other names: c.4043T>G, p.Ile1348Ser (NM_001128844.3, NM_001128849.3, NM_001387283.1); c.3944T>G, p.Ile1315Ser (NM_001128845.2, NM_001128846.2, NM_001128847.4 and 2 more transcripts); short protein forms I1348S, I1315S.
Identifiers: ClinVar variation 1468420 (VCV001468420.6), dbSNP rs2146699503, ClinGen allele CA404068186.